The following is an entry in ClinVar:

NM_000925.4(PDHB):c.*99C>T

Gene: PDHB (pyruvate dehydrogenase E1 subunit beta; minus strand). Cytogenetic location: 3p14.3.
Variant type: single nucleotide variant.
Coding change: c.*99C>T on transcript NM_000925.4 (MANE Select); 99 bases downstream of the stop codon, C replaced by T.
Molecular consequence: 3 prime UTR variant. On other transcripts: non-coding transcript variant (1).
Genome position (GRCh38, 1-based): chr3:58,427,935, G>A on the plus strand (C>T on the coding strand, the complement: PDHB is on the minus strand). VCF-style: chr3-58427935-G-A. GRCh37 (hg19) VCF-style: chr3-58413662-G-A.
Other names: c.*99C>T (NM_001173468.2, NM_001315536.2).
Identifiers: ClinVar variation 346402 (VCV000346402.6), dbSNP rs7230, ClinGen allele CA2471349.

ClinVar aggregate classification (germline): Benign. Review status: criteria provided, multiple submitters, no conflicts (2 of 4 stars). 2 submissions from 2 submitters: Benign (2). Last evaluated 2018-01-13.

Conditions:
Pyruvate dehydrogenase E1-beta deficiency (PDHBD). Identifiers: Orphanet 255138, Orphanet 765, MedGen C3279841, MONDO:0013580, OMIM 614111.

Allele frequency attached by ClinVar (database versions not stated): gnomAD 0.22245 and 0.23758; TOPMed 0.22707; gnomAD exomes 0.29083 and 0.31973; 1000 Genomes Project 30x 0.35806; 1000 Genomes Project 0.36721; ExAC 0.40836.
gnomAD v4.1: 257,721 of 914,662 alleles (28%); highest among the groups gnomAD compares: East Asian, 79%; 44,437 homozygotes.

Submissions (2):

Illumina Laboratory Services, Illumina
Classification: Benign for Pyruvate dehydrogenase E1-beta deficiency. Last evaluated: 2018-01-13. Review status: criteria provided, single submitter. Criteria: ICSL Variant Classification Criteria 13 December 2019. Collection method: clinical testing. Allele origin: germline.
Comment: This variant was observed in the ICSL laboratory as part of a predisposition screen in an ostensibly healthy population. It had not been previously curated by ICSL or reported in the Human Gene Mutation Database (HGMD: prior to June 1st, 2018), and was therefore a candidate for classification through an automated scoring system. Utilizing variant allele frequency, disease prevalence and penetrance estimates, and inheritance mode, an automated score was calculated to assess if this variant is too frequent to cause the disease. Based on the score and internal cut-off values, a variant classified as benign is not then subjected to further curation. The score for this variant resulted in a classification of benign for this disease.

Breakthrough Genomics
Classification: Benign. Review status: criteria provided, single submitter. Criteria: ACMG Guidelines, 2015. Collection method: not provided. Allele origin: germline. Inheritance: Autosomal recessive inheritance. Affected: yes.